The following is an entry in ClinVar:

NM_004448.4(ERBB2):c.3149C>T (p.Ser1050Leu)

Gene: ERBB2 (erb-b2 receptor tyrosine kinase 2; plus strand). Cytogenetic location: 17q12.
Variant type: single nucleotide variant.
Coding change: c.3149C>T on transcript NM_004448.4 (MANE Select); coding-DNA position 3149, C replaced by T.
Protein change: p.Ser1050Leu; replaces serine 1050 with leucine.
Molecular consequence: missense variant. On other transcripts: non-coding transcript variant (1), intron variant (2).
Genome position (GRCh38, 1-based): chr17:39,726,993, C>T. VCF-style: chr17-39726993-C-T. GRCh37 (hg19) VCF-style: chr17-37883246-C-T.
Other names: c.3059C>T, p.Ser1020Leu (NM_001005862.3, NM_001382782.1, NM_001382783.1); c.3104C>T, p.Ser1035Leu (NM_001289936.2); c.3149C>T, p.Ser1050Leu (NM_001289937.2); c.3266C>T, p.Ser1089Leu (NM_001382784.1); c.3251C>T, p.Ser1084Leu (NM_001382785.1); c.3230C>T, p.Ser1077Leu (NM_001382786.1); c.3224C>T, p.Ser1075Leu (NM_001382787.1); c.3179C>T, p.Ser1060Leu (NM_001382788.1); and 16 more; short protein forms S1017L, S1020L, S1034L, S1035L, S1036L, S1038L, S1047L, S1049L.
Identifiers: ClinVar variation 1319106 (VCV001319106.10), dbSNP rs199905364, ClinGen allele CA8534469.

ClinVar aggregate classification (germline): Uncertain significance. Review status: criteria provided, multiple submitters, no conflicts (2 of 4 stars). 2 submissions from 2 submitters: Uncertain significance (2). Last evaluated 2026-01-12.

Allele frequency attached by ClinVar (database versions not stated): gnomAD 0.00002 and 0.00003; TOPMed 0.00002; gnomAD exomes 0.00008; ExAC 0.00011; 1000 Genomes Project 30x 0.00016; 1000 Genomes Project 0.00020.
gnomAD v4.1: 122 of 1,599,484 alleles (0.0076%); highest among the groups gnomAD compares: East Asian, 0.26%; 2 homozygotes.

Submissions (2):

Labcorp Genetics (formerly Invitae), Labcorp
Classification: Uncertain significance. Last evaluated: 2026-01-12. Review status: criteria provided, single submitter. Criteria: Invitae Variant Classification Sherloc (09022015). Collection method: clinical testing. Allele origin: germline.
Comment: This sequence change replaces serine, which is neutral and polar, with leucine, which is neutral and non-polar, at codon 1050 of the ERBB2 protein (p.Ser1050Leu). This variant is present in population databases (rs199905364, gnomAD 0.09%), and has an allele count higher than expected for a pathogenic variant. This variant has not been reported in the literature in individuals affected with ERBB2-related conditions. ClinVar contains an entry for this variant (Variation ID: 1319106). An algorithm developed to predict the effect of missense changes on protein structure and function (PolyPhen-2) suggests that this variant is likely to be tolerated. In summary, the available evidence is currently insufficient to determine the role of this variant in disease. Therefore, it has been classified as a Variant of Uncertain Significance.

Institute for Clinical Genetics, University Hospital TU Dresden, University Hospital TU Dresden
Classification: Uncertain significance. Last evaluated: 2021-11-03. Review status: criteria provided, single submitter. Criteria: ACMG Guidelines, 2015. Collection method: clinical testing. Allele origin: germline.